The following is an entry in ClinVar:

NM_001374828.1(ARID1B):c.4432C>T (p.Gln1478Ter)

Gene: ARID1B (AT-rich interaction domain 1B; plus strand). Cytogenetic location: 6q25.3.
Variant type: single nucleotide variant.
Coding change: c.4432C>T on transcript NM_001374828.1 (MANE Select); coding-DNA position 4432, C replaced by T.
Protein change: p.Gln1478Ter; replaces glutamine 1478 with a stop codon.
Molecular consequence: nonsense.
Genome position (GRCh38, 1-based): chr6:157,198,860, C>T. VCF-style: chr6-157198860-C-T. GRCh37 (hg19) VCF-style: chr6-157519994-C-T.
Other names: c.4063C>T (NM_020732.3); c.1933C>T, p.Gln645Ter (NM_001363725.2); c.4312C>T, p.Gln1438Ter (NM_001371656.1, NM_001374820.1); c.4273C>T, p.Gln1425Ter (NM_017519.3); short protein forms Q1425*, Q1438*, Q1478*, Q645*.
Identifiers: ClinVar variation 1197555 (VCV001197555.2), dbSNP rs2128366313, ClinGen allele CA366239751.

ClinVar aggregate classification (germline): Pathogenic (1 of 4 stars; one submission).

Submission:

GeneDx
Classification: Pathogenic. Last evaluated: 2021-04-19. Review status: criteria provided, single submitter. Criteria: GeneDx Variant Classification Process June 2021. Collection method: clinical testing. Allele origin: germline. Affected: yes.
Comment: Nonsense variant predicted to result in protein truncation or nonsense mediated decay in a gene for which loss-of-function is a known mechanism of disease; Not observed in large population cohorts (Lek et al., 2016); Has not been previously published as pathogenic or benign to our knowledge